The following is an entry in ClinVar:

NM_001256715.2(DNAAF3):c.826G>A (p.Asp276Asn)

Genes: DNAAF3 (dynein axonemal assembly factor 3; minus strand), DNAAF3-AS1 (DNAAF3 antisense RNA 1; plus strand). Cytogenetic location: 19q13.42.
Variant type: single nucleotide variant.
Coding change: c.826G>A on transcript NM_001256715.2 (MANE Select); coding-DNA position 826, G replaced by A.
Protein change: p.Asp276Asn; replaces aspartic acid 276 with asparagine.
Molecular consequence: missense variant.
Genome position (GRCh38, 1-based): chr19:55,161,151, C>T on the plus strand (G>A on the coding strand, the complement: DNAAF3 is on the minus strand). VCF-style: chr19-55161151-C-T. GRCh37 (hg19) VCF-style: chr19-55672519-C-T.
Other names: c.664G>A, p.Asp222Asn (NM_001256716.2); c.967G>A, p.Asp323Asn (NM_178837.4); c.1030G>A, p.Asp344Asn (NM_001256714.1); short protein forms D222N, D276N, D344N, D323N.
Identifiers: ClinVar variation 935185 (VCV000935185.10), dbSNP rs1353927924, ClinGen allele CA407452715.

ClinVar aggregate classification (germline): Uncertain significance (1 of 4 stars; one submission).

Conditions:
Primary ciliary dyskinesia. Also called: Ciliary dyskinesia. Identifiers: Orphanet 244, MedGen C0008780, MONDO:0016575, HP:0012265.

Submission:

Labcorp Genetics (formerly Invitae), Labcorp
Classification: Uncertain significance for Primary ciliary dyskinesia. Last evaluated: 2019-09-18. Review status: criteria provided, single submitter. Criteria: Invitae Variant Classification Sherloc (09022015). Collection method: clinical testing. Allele origin: germline.
Comment: This sequence change replaces aspartic acid with asparagine at codon 344 of the DNAAF3 protein (p.Asp344Asn). The aspartic acid residue is highly conserved and there is a small physicochemical difference between aspartic acid and asparagine. This variant is not present in population databases (ExAC no frequency). This variant has not been reported in the literature in individuals with DNAAF3-related conditions. Algorithms developed to predict the effect of missense changes on protein structure and function are either unavailable or do not agree on the potential impact of this missense change (SIFT: "Deleterious"; PolyPhen-2: "Probably Damaging"; Align-GVGD: "Class C0"). In summary, the available evidence is currently insufficient to determine the role of this variant in disease. Therefore, it has been classified as a Variant of Uncertain Significance.